The following is an entry in ClinVar:

NM_002742.3(PRKD1):c.1857dup (p.Pro620fs)

Gene: PRKD1 (protein kinase D1; minus strand). Cytogenetic location: 14q12.
Variant type: Duplication.
Coding change: c.1857dup on transcript NM_002742.3 (MANE Select); coding-DNA position 1857, one base duplicated (T; older notation c.1857dupT).
Protein change: p.Pro620fs; shifts the reading frame from proline 620.
Molecular consequence: frameshift variant.
Genome position (GRCh38, 1-based): chr14:29,624,200, A duplicated on the plus strand (T on the coding strand, the reverse complement: PRKD1 is on the minus strand); the first of 3 consecutive A bases (chr14:29,624,200-29,624,202); duplicating any one gives the same sequence. VCF-style (leftmost placement, unchanged base first): chr14-29624199-G-GA. GRCh37 (hg19) VCF-style: chr14-30093405-G-GA.
Other names: c.1881dup, p.Pro628fs (NM_001330069.2); c.1593dup, p.Pro532fs (NM_001348390.1); c.1857dup (NM_002742.2); short protein forms P532fs, P620fs, P628fs.
Identifiers: ClinVar variation 3368509 (VCV003368509.1), dbSNP rs1197728416.

ClinVar aggregate classification (germline): Uncertain significance (1 of 4 stars; one submission).

Submission:

GeneDx
Classification: Uncertain significance. Last evaluated: 2024-02-01. Review status: criteria provided, single submitter. Criteria: GeneDx Variant Classification Process June 2021. Collection method: clinical testing. Allele origin: germline. Affected: yes.
Comment: Frameshift variant predicted to result in protein truncation or nonsense mediated decay in a gene or region of a gene for which loss of function is not a well-established mechanism of disease; Not observed at significant frequency in large population cohorts (gnomAD); Has not been previously published as pathogenic or benign to our knowledge